The following is an entry in ClinVar:

ClinVar aggregate classification (germline): Likely benign. Review status: criteria provided, multiple submitters, no conflicts (2 of 4 stars). 5 submissions from 5 submitters: Likely benign (4). 1 of the submissions does not count toward it. Last evaluated 2026-01-01.

Conditions:
SCN3A-related disorder. Also called: SCN3A-related condition.

Allele frequency attached by ClinVar (database versions not stated): TOPMed 0.00005; gnomAD 0.00006; gnomAD exomes 0.00007 and 0.00008; ExAC 0.00010.
gnomAD v4.1: 111 of 1,613,830 alleles (0.0069%); highest among the groups gnomAD compares: South Asian, 0.016%; no homozygotes.

Submissions (5):

Labcorp Genetics (formerly Invitae), Labcorp
Classification: Likely benign. Last evaluated: 2026-01-01. Review status: criteria provided, single submitter. Criteria: Invitae Variant Classification Sherloc (09022015). Collection method: clinical testing. Allele origin: germline.

Blueprint Genetics
Classification: Likely benign. Last evaluated: 2024-11-18. Review status: criteria provided, single submitter. Criteria: ACMG Guidelines, 2015. Collection method: clinical testing. Allele origin: germline.

CeGaT Center for Human Genetics Tuebingen
Classification: Likely benign. Last evaluated: 2022-11-01. Review status: criteria provided, single submitter. Criteria: CeGaT Center For Human Genetics Tuebingen Variant Classification Criteria Version 2. Collection method: clinical testing. Allele origin: germline. Affected: yes. Observed: 2 variant alleles.
Comment: SCN3A: BP4, BP7

Breakthrough Genomics
Classification: Likely benign. Review status: criteria provided, single submitter. Criteria: ACMG Guidelines, 2015. Collection method: not provided. Allele origin: germline. Inheritance: Autosomal dominant inheritance. Affected: yes.

PreventionGenetics, part of Exact Sciences
Classification: Likely benign for SCN3A-related condition. Last evaluated: 2019-06-21. Review status: no assertion criteria provided. Collection method: clinical testing. Allele origin: germline. Not counted in ClinVar's aggregate classification.
Comment: This variant is classified as likely benign based on ACMG/AMP sequence variant interpretation guidelines (Richards et al. 2015 PMID: 25741868, with internal and published modifications).

NM_006922.4(SCN3A):c.1662C>T (p.Ser554=)

Gene: SCN3A (sodium voltage-gated channel alpha subunit 3; minus strand). Cytogenetic location: 2q24.3.
Variant type: single nucleotide variant.
Coding change: c.1662C>T on transcript NM_006922.4 (MANE Select); coding-DNA position 1662, C replaced by T.
Protein change: p.Ser554=; no amino-acid change (serine 554 retained).
Molecular consequence: synonymous variant.
Genome position (GRCh38, 1-based): chr2:165,146,748, G>A on the plus strand (C>T on the coding strand, the complement: SCN3A is on the minus strand). VCF-style: chr2-165146748-G-A. GRCh37 (hg19) VCF-style: chr2-166003258-G-A.
Other names: c.1662C>T, p.Ser554= (NM_001081676.2, NM_001081677.2); c.1662C>T (NM_006922.3).
Identifiers: ClinVar variation 1161891 (VCV001161891.35), dbSNP rs760885665, ClinGen allele CA1939118.